The following is an entry in ClinVar:

NM_182961.4(SYNE1):c.6937A>G (p.Ile2313Val)

Gene: SYNE1 (spectrin repeat containing nuclear envelope protein 1; minus strand). Cytogenetic location: 6q25.2.
Variant type: single nucleotide variant.
Coding change: c.6937A>G on transcript NM_182961.4 (MANE Select); coding-DNA position 6937, A replaced by G.
Protein change: p.Ile2313Val; replaces isoleucine 2313 with valine.
Molecular consequence: missense variant.
Genome position (GRCh38, 1-based): chr6:152,401,230, T>C on the plus strand (A>G on the coding strand, the complement: SYNE1 is on the minus strand). VCF-style: chr6-152401230-T-C. GRCh37 (hg19) VCF-style: chr6-152722365-T-C.
Other names: c.6958A>G, p.Ile2320Val (NM_033071.5); short protein forms I2320V, I2313V.
Identifiers: ClinVar variation 1465085 (VCV001465085.6), dbSNP rs2154150998, ClinGen allele CA366119764.

ClinVar aggregate classification (germline): Uncertain significance (1 of 4 stars; one submission).

Conditions:
Autosomal recessive ataxia, Beauce type. Also called: SYNE1-Related Autosomal Recessive Cerebellar Ataxia; Spinocerebellar ataxia, autosomal recessive 8; ATAXIA, RECESSIVE, OF BEAUCE; SYNE1 Deficiency. Identifiers: Orphanet 88644, MedGen C1853116, MONDO:0012549, OMIM 610743.
Emery-Dreifuss muscular dystrophy 4, autosomal dominant (EDMD4). Also called: EMERY-DREIFUSS MUSCULAR DYSTROPHY 4 WITH VARIABLE FEATURES. Identifiers: Orphanet 261, MedGen C2751807, MONDO:0013071, OMIM 612998.

gnomAD v4.1: 3 of 1,614,164 alleles (0.00019%); highest among the groups gnomAD compares: Non-Finnish European, 0.00025%; no homozygotes.

Submission:

Labcorp Genetics (formerly Invitae), Labcorp
Classification: Uncertain significance for Emery-Dreifuss muscular dystrophy 4, autosomal dominant; Autosomal recessive ataxia, Beauce type. Last evaluated: 2021-10-16. Review status: criteria provided, single submitter. Criteria: Invitae Variant Classification Sherloc (09022015). Collection method: clinical testing. Allele origin: germline.
Comment: Algorithms developed to predict the effect of missense changes on protein structure and function output the following: SIFT: "Tolerated"; PolyPhen-2: "Benign"; Align-GVGD: "Class C0". The valine amino acid residue is found in multiple mammalian species, which suggests that this missense change does not adversely affect protein function. This variant has not been reported in the literature in individuals affected with SYNE1-related conditions. This variant is not present in population databases (ExAC no frequency). This sequence change replaces isoleucine with valine at codon 2320 of the SYNE1 protein (p.Ile2320Val). The isoleucine residue is moderately conserved and there is a small physicochemical difference between isoleucine and valine. In summary, the available evidence is currently insufficient to determine the role of this variant in disease. Therefore, it has been classified as a Variant of Uncertain Significance.